The following is an entry in ClinVar:

ClinVar aggregate classification (germline): Uncertain significance (1 of 4 stars; one submission).

Submission:

Labcorp Genetics (formerly Invitae), Labcorp
Classification: Uncertain significance. Last evaluated: 2021-12-02. Review status: criteria provided, single submitter. Criteria: Invitae Variant Classification Sherloc (09022015). Collection method: clinical testing. Allele origin: germline.
Comment: This sequence change replaces glutamine, which is neutral and polar, with histidine, which is basic and polar, at codon 937 of the VARS2 protein (p.Gln937His). This variant is not present in population databases (gnomAD no frequency). This variant has not been reported in the literature in individuals affected with VARS2-related conditions. Algorithms developed to predict the effect of missense changes on protein structure and function are either unavailable or do not agree on the potential impact of this missense change (SIFT: "Deleterious"; PolyPhen-2: "Probably Damaging"; Align-GVGD: "Class C0"). In summary, the available evidence is currently insufficient to determine the role of this variant in disease. Therefore, it has been classified as a Variant of Uncertain Significance.

NM_020442.6(VARS2):c.2721A>T (p.Gln907His)

Gene: VARS2 (valyl-tRNA synthetase 2, mitochondrial; plus strand). Cytogenetic location: 6p21.33.
Variant type: single nucleotide variant.
Coding change: c.2721A>T on transcript NM_020442.6 (MANE Select); coding-DNA position 2721, A replaced by T.
Protein change: p.Gln907His; replaces glutamine 907 with histidine.
Molecular consequence: missense variant.
Genome position (GRCh38, 1-based): chr6:30,925,321, A>T. VCF-style: chr6-30925321-A-T. GRCh37 (hg19) VCF-style: chr6-30893098-A-T.
Other names: c.2301A>T, p.Gln767His (NM_001167733.3); c.2811A>T, p.Gln937His (NM_001167734.2); short protein forms Q767H, Q907H, Q937H.
Identifiers: ClinVar variation 1373936 (VCV001373936.3), dbSNP rs748897597, ClinGen allele CA363177434.